The following is an entry in ClinVar:

NM_014339.7(IL17RA):c.355C>A (p.Leu119Met)

Gene: IL17RA (interleukin 17 receptor A; plus strand). Cytogenetic location: 22q11.1.
Variant type: single nucleotide variant.
Coding change: c.355C>A on transcript NM_014339.7 (MANE Select); coding-DNA position 355, C replaced by A.
Protein change: p.Leu119Met; replaces leucine 119 with methionine.
Molecular consequence: missense variant.
Genome position (GRCh38, 1-based): chr22:17,098,819, C>A. VCF-style: chr22-17098819-C-A. GRCh37 (hg19) VCF-style: chr22-17579709-C-A.
Other names: c.355C>A, p.Leu119Met (NM_001289905.2); c.355C>A (NM_014339.5); short protein forms L119M.
Identifiers: ClinVar variation 340569 (VCV000340569.11), dbSNP rs766246086, ClinGen allele CA10086320.
Genomic context (GRCh38, chr22:17,098,819, plus strand): 5'-TCTCCCTCTCCTGCAGCCAGCATCCTGTACCTCGAGGGTGCAGAGTTATCTGTCCTGCAG[C>A]TGAACACCAATGAACGTTTGTGCGTCAGGTTTGAGTTTCTGTCCAAACTGAGGCATCACC-3'
Protein context (NP_055154.3, residues 109-129): LEGAELSVLQ[Leu119Met]NTNERLCVRF

ClinVar aggregate classification (germline): Uncertain significance. Review status: criteria provided, multiple submitters, no conflicts (2 of 4 stars). 3 submissions from 3 submitters: Uncertain significance (3). Last evaluated 2025-04-11.

Conditions:
Immunodeficiency 51 (IMD51). Also called: CANDIDIASIS, FAMILIAL, 5. Identifiers: Orphanet 1334, MedGen C4310803, MONDO:0013500, OMIM 613953.

Allele frequency attached by ClinVar (database versions not stated): ExAC 0.00001; gnomAD exomes 0.00001 and 0.00002; gnomAD 0.00003 and 0.00004; TOPMed 0.00005.
gnomAD v4.1: 37 of 1,614,124 alleles (0.0023%); highest among the groups gnomAD compares: Admixed American, 0.005%; no homozygotes.

Submissions (3):

Ambry Genetics
Classification: Uncertain significance. Last evaluated: 2025-04-11. Review status: criteria provided, single submitter. Criteria: Ambry Variant Classification Scheme 2023. Collection method: clinical testing. Allele origin: germline.

Labcorp Genetics (formerly Invitae), Labcorp
Classification: Uncertain significance for Immunodeficiency 51. Last evaluated: 2021-11-06. Review status: criteria provided, single submitter. Criteria: Invitae Variant Classification Sherloc (09022015). Collection method: clinical testing. Allele origin: germline.
Comment: This sequence change replaces leucine, which is neutral and non-polar, with methionine, which is neutral and non-polar, at codon 119 of the IL17RA protein (p.Leu119Met). This variant is present in population databases (rs766246086, gnomAD 0.003%). This variant has not been reported in the literature in individuals affected with IL17RA-related conditions. ClinVar contains an entry for this variant (Variation ID: 340569). Algorithms developed to predict the effect of missense changes on protein structure and function output the following: SIFT: "Tolerated"; PolyPhen-2: "Benign"; Align-GVGD: "Class C0". The methionine amino acid residue is found in multiple mammalian species, which suggests that this missense change does not adversely affect protein function. In summary, the available evidence is currently insufficient to determine the role of this variant in disease. Therefore, it has been classified as a Variant of Uncertain Significance.

Illumina Laboratory Services, Illumina
Classification: Uncertain significance for Immunodeficiency 51. Last evaluated: 2018-01-13. Review status: criteria provided, single submitter. Criteria: ICSL Variant Classification Criteria 13 December 2019. Collection method: clinical testing. Allele origin: germline.